The following is an entry in ClinVar:

NM_033004.4(NLRP1):c.1901C>A (p.Ser634Tyr)

Gene: NLRP1 (NLR family pyrin domain containing 1; minus strand). Cytogenetic location: 17p13.2.
Variant type: single nucleotide variant.
Coding change: c.1901C>A on transcript NM_033004.4 (MANE Select); coding-DNA position 1901, C replaced by A.
Protein change: p.Ser634Tyr; replaces serine 634 with tyrosine.
Molecular consequence: missense variant.
Genome position (GRCh38, 1-based): chr17:5,558,795, G>T on the plus strand (C>A on the coding strand, the complement: NLRP1 is on the minus strand). VCF-style: chr17-5558795-G-T. GRCh37 (hg19) VCF-style: chr17-5462115-G-T.
Other names: c.1901C>A, p.Ser634Tyr (NM_001033053.3, NM_014922.5, NM_033006.4 and 1 more transcripts); short protein forms S634Y.
Identifiers: ClinVar variation 2647302 (VCV002647302.27), dbSNP rs200548358, ClinGen allele CA8327308.

ClinVar aggregate classification (germline): Uncertain significance. Review status: criteria provided, multiple submitters, no conflicts (2 of 4 stars). 2 submissions from 2 submitters: Uncertain significance (2). Last evaluated 2025-10-14.

Allele frequency attached by ClinVar (database versions not stated): gnomAD exomes 0.00001; TOPMed 0.00002; ExAC 0.00003; gnomAD 0.00003; ESP Exome Variant Server 0.00015.
gnomAD v4.1: 22 of 1,614,032 alleles (0.0014%); highest among the groups gnomAD compares: Non-Finnish European, 0.0019%; no homozygotes.

Submissions (2):

Labcorp Genetics (formerly Invitae), Labcorp
Classification: Uncertain significance. Last evaluated: 2025-10-14. Review status: criteria provided, single submitter. Criteria: Invitae Variant Classification Sherloc (09022015). Collection method: clinical testing. Allele origin: germline.
Comment: This sequence change replaces serine, which is neutral and polar, with tyrosine, which is neutral and polar, at codon 634 of the NLRP1 protein (p.Ser634Tyr). This variant is present in population databases (rs200548358, gnomAD 0.006%). This variant has not been reported in the literature in individuals affected with NLRP1-related conditions. ClinVar contains an entry for this variant (Variation ID: 2647302). An algorithm developed to predict the effect of missense changes on protein structure and function (PolyPhen-2) suggests that this variant is likely to be disruptive. In summary, the available evidence is currently insufficient to determine the role of this variant in disease. Therefore, it has been classified as a Variant of Uncertain Significance.

CeGaT Center for Human Genetics Tuebingen
Classification: Uncertain significance. Last evaluated: 2023-10-01. Review status: criteria provided, single submitter. Criteria: CeGaT Center For Human Genetics Tuebingen Variant Classification Criteria Version 2. Collection method: clinical testing. Allele origin: germline. Affected: yes. Observed: 1 variant allele.
Comment: NLRP1: PM2, BP4